The following is an entry in ClinVar:

ClinVar aggregate classification (germline): Likely benign. Review status: criteria provided, multiple submitters, no conflicts (2 of 4 stars). 2 submissions from 2 submitters: Likely benign (2). Last evaluated 2025-09-01.

Allele frequency attached by ClinVar (database versions not stated): gnomAD 0.00002; TOPMed 0.00004.
gnomAD v4.1: 80 of 1,613,632 alleles (0.005%); highest among the groups gnomAD compares: Middle Eastern, 0.033%; no homozygotes.

Submissions (2):

CeGaT Center for Human Genetics Tuebingen
Classification: Likely benign. Last evaluated: 2025-09-01. Review status: criteria provided, single submitter. Criteria: CeGaT Center For Human Genetics Tuebingen Variant Classification Criteria Version 2. Collection method: clinical testing. Allele origin: germline. Affected: yes. Observed: 1 variant allele.
Comment: AP3B2: BP4, BP7

Labcorp Genetics (formerly Invitae), Labcorp
Classification: Likely benign. Last evaluated: 2024-06-24. Review status: criteria provided, single submitter. Criteria: Invitae Variant Classification Sherloc (09022015). Collection method: clinical testing. Allele origin: germline.

NM_001278512.2(AP3B2):c.2727C>T (p.Ser909=)

Genes: AP3B2 (adaptor related protein complex 3 subunit beta 2; minus strand), CPEB1-AS1 (CPEB1 antisense RNA 1; plus strand). Cytogenetic location: 15q25.2.
Variant type: single nucleotide variant.
Coding change: c.2727C>T on transcript NM_001278512.2 (MANE Select); coding-DNA position 2727, C replaced by T.
Protein change: p.Ser909=; no amino-acid change (serine 909 retained).
Molecular consequence: synonymous variant.
Genome position (GRCh38, 1-based): chr15:82,662,800, G>A on the plus strand (C>T on the coding strand, the complement: AP3B2 is on the minus strand). VCF-style: chr15-82662800-G-A. GRCh37 (hg19) VCF-style: chr15-83331552-G-A.
Other names: c.2574C>T, p.Ser858= (NM_001278511.2); c.2670C>T, p.Ser890= (NM_004644.5).
Identifiers: ClinVar variation 1924765 (VCV001924765.29), dbSNP rs774114116, ClinGen allele CA7699807.